The following is an entry in ClinVar:

NM_001080517.3(SETD5):c.1569A>C (p.Glu523Asp)

Gene: SETD5 (SET domain containing 5; plus strand). Cytogenetic location: 3p25.3.
Variant type: single nucleotide variant.
Coding change: c.1569A>C on transcript NM_001080517.3 (MANE Select); coding-DNA position 1569, A replaced by C.
Protein change: p.Glu523Asp; replaces glutamic acid 523 with aspartic acid.
Molecular consequence: missense variant.
Genome position (GRCh38, 1-based): chr3:9,447,094, A>C. VCF-style: chr3-9447094-A-C. GRCh37 (hg19) VCF-style: chr3-9488778-A-C.
Other names: c.1275A>C, p.Glu425Asp (NM_001292043.2, NM_001349451.2); c.1569A>C (NM_001080517.1); short protein forms E425D, E523D.
Identifiers: ClinVar variation 3354325 (VCV003354325.3).

ClinVar aggregate classification (germline): Uncertain significance. Review status: criteria provided, multiple submitters, no conflicts (2 of 4 stars). 3 submissions from 3 submitters: Uncertain significance (2). 1 of the submissions does not count toward it. Last evaluated 2026-05-13.

Conditions:
Inborn genetic diseases. Identifiers: MedGen C0950123, MeSH D030342.
SETD5-related disorder. Also called: SETD5-related disorders; SETD5-related condition.

gnomAD v4.1: 1 of 1,613,824 alleles (0.000062%); highest among the groups gnomAD compares: South Asian, 0.0011%; no homozygotes.

Submissions (3):

Ambry Genetics
Classification: Uncertain significance for Inborn genetic diseases. Last evaluated: 2026-05-13. Review status: criteria provided, single submitter. Criteria: Ambry Variant Classification Scheme 2023. Collection method: clinical testing. Allele origin: germline.

GeneDx
Classification: Uncertain significance. Last evaluated: 2024-10-22. Review status: criteria provided, single submitter. Criteria: GeneDx Variant Classification Process June 2021. Collection method: clinical testing. Allele origin: germline. Affected: yes.
Comment: Not observed at significant frequency in large population cohorts (gnomAD); In silico analysis indicates that this missense variant does not alter protein structure/function; Has not been previously published as pathogenic or benign to our knowledge

PreventionGenetics, part of Exact Sciences
Classification: Uncertain significance for SETD5-related condition. Last evaluated: 2024-08-26. Review status: no assertion criteria provided. Collection method: clinical testing. Allele origin: germline. Not counted in ClinVar's aggregate classification.
Comment: The SETD5 c.1569A>C variant is predicted to result in the amino acid substitution p.Glu523Asp. To our knowledge, this variant has not been reported in the literature or in a large population database, indicating this variant is rare. At this time, the clinical significance of this variant is uncertain due to the absence of conclusive functional and genetic evidence.